The following is an entry in ClinVar:

ClinVar aggregate classification (germline): Likely pathogenic. Review status: criteria provided, multiple submitters, no conflicts (2 of 4 stars). 2 submissions from 2 submitters: Likely pathogenic (2). Last evaluated 2025-07-01.

gnomAD v4.1: 1 of 1,613,484 alleles (0.000062%); no homozygotes.

Submissions (2):

CeGaT Center for Human Genetics Tuebingen
Classification: Likely pathogenic. Last evaluated: 2025-07-01. Review status: criteria provided, single submitter. Criteria: CeGaT Center For Human Genetics Tuebingen Variant Classification Criteria Version 2. Collection method: clinical testing. Allele origin: germline. Affected: yes. Observed: 1 variant allele.
Comment: NF1: PM2, PM6, PM5:Supporting, PP2

GeneDx
Classification: Likely pathogenic. Last evaluated: 2021-11-03. Review status: criteria provided, single submitter. Criteria: GeneDx Variant Classification Process June 2021. Collection method: clinical testing. Allele origin: germline. Affected: yes.
Comment: Identified in individuals with an NF1-related phenotype referred for genetic testing at GeneDx and in published literature, including apparently de novo observations (Giugliano 2019); Not observed at significant frequency in large population cohorts (Lek et al., 2016); In silico analysis supports that this missense variant has a deleterious effect on protein structure/function; This variant is associated with the following publications: (PMID: 31370276, 25486365, 2121369)

NM_001042492.3(NF1):c.3106A>G (p.Lys1036Glu)

Gene: NF1 (neurofibromin 1; plus strand). Cytogenetic location: 17q11.2.
Variant type: single nucleotide variant.
Coding change: c.3106A>G on transcript NM_001042492.3 (MANE Select); coding-DNA position 3106, A replaced by G.
Protein change: p.Lys1036Glu; replaces lysine 1036 with glutamic acid.
Molecular consequence: missense variant.
Genome position (GRCh38, 1-based): chr17:31,230,375, A>G. VCF-style: chr17-31230375-A-G. GRCh37 (hg19) VCF-style: chr17-29557393-A-G.
Other names: c.3106A>G, p.Lys1036Glu (NM_000267.4); short protein forms K1036E.
Identifiers: ClinVar variation 1326390 (VCV001326390.10), dbSNP rs1567849891, ClinGen allele CA398987698.